The following is an entry in ClinVar:

ClinVar aggregate classification (germline): Likely benign. Review status: criteria provided, multiple submitters, no conflicts (2 of 4 stars). 2 submissions from 2 submitters: Likely benign (2). Last evaluated 2024-11-07.

Submissions (2):

Labcorp Genetics (formerly Invitae), Labcorp
Classification: Likely benign. Last evaluated: 2024-11-07. Review status: criteria provided, single submitter. Criteria: Invitae Variant Classification Sherloc (09022015). Collection method: clinical testing. Allele origin: germline.

CeGaT Center for Human Genetics Tuebingen
Classification: Likely benign. Last evaluated: 2023-08-01. Review status: criteria provided, single submitter. Criteria: CeGaT Center For Human Genetics Tuebingen Variant Classification Criteria Version 2. Collection method: clinical testing. Allele origin: germline. Affected: yes. Observed: 1 variant allele.
Comment: PPM1D: BP4, BP7

NM_003620.4(PPM1D):c.1444C>T (p.Leu482=)

Gene: PPM1D (protein phosphatase, Mg2+/Mn2+ dependent 1D; plus strand). Cytogenetic location: 17q23.2.
Variant type: single nucleotide variant.
Coding change: c.1444C>T on transcript NM_003620.4 (MANE Select); coding-DNA position 1444, C replaced by T.
Protein change: p.Leu482=; no amino-acid change (leucine 482 retained).
Molecular consequence: synonymous variant.
Genome position (GRCh38, 1-based): chr17:60,663,178, C>T. VCF-style: chr17-60663178-C-T. GRCh37 (hg19) VCF-style: chr17-58740539-C-T.
Identifiers: ClinVar variation 2647992 (VCV002647992.26), dbSNP rs773313597, ClinGen allele CA8687794.